The following is an entry in ClinVar:

ClinVar aggregate classification (germline): Uncertain significance (1 of 4 stars; one submission).

Allele frequency attached by ClinVar (database versions not stated): gnomAD exomes below 0.00001; ExAC 0.00002.

Submission:

Labcorp Genetics (formerly Invitae), Labcorp
Classification: Uncertain significance. Last evaluated: 2024-05-23. Review status: criteria provided, single submitter. Criteria: Invitae Variant Classification Sherloc (09022015). Collection method: clinical testing. Allele origin: germline.
Comment: This sequence change replaces asparagine, which is neutral and polar, with serine, which is neutral and polar, at codon 506 of the PPP2R1A protein (p.Asn506Ser). This variant is present in population databases (rs747860320, gnomAD 0.006%). This variant has not been reported in the literature in individuals affected with PPP2R1A-related conditions. An algorithm developed to predict the effect of missense changes on protein structure and function (PolyPhen-2) suggests that this variant is likely to be tolerated. Algorithms developed to predict the effect of sequence changes on RNA splicing suggest that this variant may disrupt the consensus splice site. In summary, the available evidence is currently insufficient to determine the role of this variant in disease. Therefore, it has been classified as a Variant of Uncertain Significance.

NM_014225.6(PPP2R1A):c.1517A>G (p.Asn506Ser)

Gene: PPP2R1A (protein phosphatase 2 scaffold subunit Aalpha; plus strand). Cytogenetic location: 19q13.41.
Variant type: single nucleotide variant.
Coding change: c.1517A>G on transcript NM_014225.6 (MANE Select); coding-DNA position 1517, A replaced by G.
Protein change: p.Asn506Ser; replaces asparagine 506 with serine.
Molecular consequence: missense variant. On other transcripts: non-coding transcript variant (1).
Genome position (GRCh38, 1-based): chr19:52,221,132, A>G. VCF-style: chr19-52221132-A-G. GRCh37 (hg19) VCF-style: chr19-52724385-A-G.
Other names: c.980A>G, p.Asn327Ser (NM_001363656.2); short protein forms N327S, N506S.
Identifiers: ClinVar variation 2848839 (VCV002848839.3), dbSNP rs747860320, ClinGen allele CA9621610.